The following is an entry in ClinVar:

ClinVar aggregate classification (germline): Uncertain significance (1 of 4 stars; one submission).

Allele frequency attached by ClinVar (database versions not stated): gnomAD 0.00001; gnomAD exomes 0.00002; TOPMed 0.00002; ExAC 0.00003.
gnomAD v4.1: 23 of 1,604,296 alleles (0.0014%); highest among the groups gnomAD compares: East Asian, 0.045%; no homozygotes.

Submission:

Labcorp Genetics (formerly Invitae), Labcorp
Classification: Uncertain significance. Last evaluated: 2024-10-22. Review status: criteria provided, single submitter. Criteria: Invitae Variant Classification Sherloc (09022015). Collection method: clinical testing. Allele origin: germline.
Comment: This sequence change replaces alanine, which is neutral and non-polar, with threonine, which is neutral and polar, at codon 10 of the MPDZ protein (p.Ala10Thr). This variant is present in population databases (rs778086476, gnomAD 0.04%). This variant has not been reported in the literature in individuals affected with MPDZ-related conditions. ClinVar contains an entry for this variant (Variation ID: 2185579). An algorithm developed to predict the effect of missense changes on protein structure and function (PolyPhen-2) suggests that this variant is likely to be disruptive. In summary, the available evidence is currently insufficient to determine the role of this variant in disease. Therefore, it has been classified as a Variant of Uncertain Significance.

NM_001378778.1(MPDZ):c.28G>A (p.Ala10Thr)

Gene: MPDZ (multiple PDZ domain crumbs cell polarity complex component; minus strand). Cytogenetic location: 9p23.
Variant type: single nucleotide variant.
Coding change: c.28G>A on transcript NM_001378778.1 (MANE Select); coding-DNA position 28, G replaced by A.
Protein change: p.Ala10Thr; replaces alanine 10 with threonine.
Molecular consequence: missense variant.
Genome position (GRCh38, 1-based): chr9:13,247,790, C>T on the plus strand (G>A on the coding strand, the complement: MPDZ is on the minus strand). VCF-style: chr9-13247790-C-T. GRCh37 (hg19) VCF-style: chr9-13247789-C-T.
Other names: c.28G>A, p.Ala10Thr (NM_001261406.2, NM_001261407.2, NM_001330637.2 and 14 more transcripts); short protein forms A10T.
Identifiers: ClinVar variation 2185579 (VCV002185579.4), dbSNP rs778086476, ClinGen allele CA4988262.